The following is an entry in ClinVar:

ClinVar aggregate classification (germline): Uncertain significance. Review status: criteria provided, multiple submitters, no conflicts (2 of 4 stars). 2 submissions from 2 submitters: Uncertain significance (2). Last evaluated 2024-12-07.

Conditions:
Inborn genetic diseases. Identifiers: MedGen C0950123, MeSH D030342.

Allele frequency attached by ClinVar (database versions not stated): ESP Exome Variant Server 0.00015.
gnomAD v4.1: 19 of 1,614,068 alleles (0.0012%); highest among the groups gnomAD compares: African/African-American, 0.0027%; no homozygotes.

Submissions (2):

Ambry Genetics
Classification: Uncertain significance for Inborn genetic diseases. Last evaluated: 2024-12-07. Review status: criteria provided, single submitter. Criteria: Ambry Variant Classification Scheme 2023. Collection method: clinical testing. Allele origin: germline.

Labcorp Genetics (formerly Invitae), Labcorp
Classification: Uncertain significance. Last evaluated: 2022-03-04. Review status: criteria provided, single submitter. Criteria: Invitae Variant Classification Sherloc (09022015). Collection method: clinical testing. Allele origin: germline.
Comment: This sequence change replaces glycine, which is neutral and non-polar, with serine, which is neutral and polar, at codon 855 of the ERCC6 protein (p.Gly855Ser). This variant is present in population databases (rs146786861, gnomAD 0.002%). This variant has not been reported in the literature in individuals affected with ERCC6-related conditions. Algorithms developed to predict the effect of missense changes on protein structure and function are either unavailable or do not agree on the potential impact of this missense change (SIFT: "Deleterious"; PolyPhen-2: "Benign"; Align-GVGD: "Class C55"). In summary, the available evidence is currently insufficient to determine the role of this variant in disease. Therefore, it has been classified as a Variant of Uncertain Significance.

NM_000124.4(ERCC6):c.2563G>A (p.Gly855Ser)

Gene: ERCC6 (ERCC excision repair 6, chromatin remodeling factor; minus strand). Cytogenetic location: 10q11.23.
Variant type: single nucleotide variant.
Coding change: c.2563G>A on transcript NM_000124.4 (MANE Select); coding-DNA position 2563, G replaced by A.
Protein change: p.Gly855Ser; replaces glycine 855 with serine.
Molecular consequence: missense variant.
Genome position (GRCh38, 1-based): chr10:49,474,062, C>T on the plus strand (G>A on the coding strand, the complement: ERCC6 is on the minus strand). VCF-style: chr10-49474062-C-T. GRCh37 (hg19) VCF-style: chr10-50682108-C-T.
Other names: c.2563G>A, p.Gly855Ser (NM_001346440.2); short protein forms G855S.
Identifiers: ClinVar variation 2145444 (VCV002145444.2), dbSNP rs146786861, ClinGen allele CA5495626.
Genomic context (GRCh38, chr10:49,474,062, plus strand): 5'-TCCCGTCTGAAGTCTGTGCACTCACCTGCCTTGACTGAGAAAACAGCAATACTCGCTGAC[C>T]CTGCTTGTGCCATATTTTCAACAAAGACTCAACAACAATCATTTTCCCAGAACGTTTCCA-3'
Protein context (NP_000115.1, residues 845-865): ESLLKIWHKQ[Gly855Ser]QRVLLFSQSR